The following is an entry in ClinVar:

ClinVar aggregate classification (germline): Uncertain significance (1 of 4 stars; one submission).

Conditions:
Microcephaly, normal intelligence and immunodeficiency (NBS). Also called: BERLIN BREAKAGE SYNDROME; Immunodeficiency, microcephaly with normal intelligence; Ataxia telangiectasia variant V1; Nijmegen breakage syndrome; Microcephaly with normal intelligence immunodeficiency and lymphoreticular malignancies; Nonsyndromal microcephaly autosomal recessive with normal intelligence. Identifiers: Orphanet 647, MedGen C0398791, MONDO:0009623, OMIM 251260.

Submission:

Labcorp Genetics (formerly Invitae), Labcorp
Classification: Uncertain significance for Microcephaly, normal intelligence and immunodeficiency. Last evaluated: 2022-04-12. Review status: criteria provided, single submitter. Criteria: Invitae Variant Classification Sherloc (09022015). Collection method: clinical testing. Allele origin: germline.
Comment: This variant, c.1241_1243del, results in the deletion of 1 amino acid(s) of the NBN protein (p.Asn414del), but otherwise preserves the integrity of the reading frame. In summary, the available evidence is currently insufficient to determine the role of this variant in disease. Therefore, it has been classified as a Variant of Uncertain Significance. Algorithms developed to predict the effect of sequence changes on RNA splicing suggest that this variant may create or strengthen a splice site. Experimental studies and prediction algorithms are not available or were not evaluated, and the functional significance of this variant is currently unknown. ClinVar contains an entry for this variant (Variation ID: 569333). This variant has not been reported in the literature in individuals affected with NBN-related conditions. This variant is not present in population databases (gnomAD no frequency).

NM_002485.5(NBN):c.1235ATA[2] (p.Asn414del)

Gene: NBN (nibrin; minus strand). Cytogenetic location: 8q21.3.
Variant type: Microsatellite.
Coding change: c.1235ATA[2] on transcript NM_002485.5 (MANE Select); two copies in a row of the 3-base unit ATA starting at c.1235; the reference has three copies in a row; one copy, 3 bases deleted.
Protein change: p.Asn414del; deletes asparagine 414.
Molecular consequence: inframe deletion.
Genome position (GRCh38, 1-based): chr8:89,955,437-89,955,439, TAT deleted on the plus strand (ATA on the coding strand, the reverse complement: NBN is on the minus strand); deleting any 3 consecutive bases within chr8:89,955,437-89,955,447 gives the same sequence; the position shown is the placement nearest the transcript's 3' end. VCF-style (leftmost placement, unchanged base first): chr8-89955436-CTAT-C. GRCh37 (hg19) VCF-style: chr8-90967664-CTAT-C.
Other names: c.1241_1243delATA (NM_002485.4); c.989ATA[2], p.Asn332del (NM_001024688.3); short protein forms N414del, N332del.
Identifiers: ClinVar variation 569333 (VCV000569333.8), dbSNP rs1563531915, ClinGen allele CA891842843.